The following is an entry in ClinVar:

NM_004304.5(ALK):c.2224G>C (p.Ala742Pro)

Gene: ALK (ALK receptor tyrosine kinase; minus strand). Cytogenetic location: 2p23.2.
Variant type: single nucleotide variant.
Coding change: c.2224G>C on transcript NM_004304.5 (MANE Select); coding-DNA position 2224, G replaced by C.
Protein change: p.Ala742Pro; replaces alanine 742 with proline.
Molecular consequence: missense variant.
Genome position (GRCh38, 1-based): chr2:29,239,811, C>G on the plus strand (G>C on the coding strand, the complement: ALK is on the minus strand). VCF-style: chr2-29239811-C-G. GRCh37 (hg19) VCF-style: chr2-29462677-C-G.
Other names: short protein forms A742P.
Identifiers: ClinVar variation 4040703 (VCV004040703.1).

ClinVar aggregate classification (germline): Uncertain significance (1 of 4 stars; one submission).

Conditions:
Hereditary cancer-predisposing syndrome. Also called: Neoplastic Syndromes, Hereditary; Tumor predisposition; Hereditary neoplastic syndrome; Hereditary Cancer Syndrome. Identifiers: Orphanet 140162, MedGen C0027672, MeSH D009386, MONDO:0015356.

Submission:

Ambry Genetics
Classification: Uncertain significance for Hereditary cancer-predisposing syndrome. Last evaluated: 2025-04-19. Review status: criteria provided, single submitter. Criteria: Ambry Variant Classification Scheme 2023. Collection method: clinical testing. Allele origin: germline.
Comment: The p.A742P variant (also known as c.2224G>C), located in coding exon 13 of the ALK gene, results from a G to C substitution at nucleotide position 2224. The alanine at codon 742 is replaced by proline, an amino acid with highly similar properties. This amino acid position is conserved. In addition, the in silico prediction for this alteration is inconclusive. Based on the available evidence, the clinical significance of this variant remains unclear.